The following is an entry in ClinVar:

NM_022455.5(NSD1):c.5351T>G (p.Ile1784Ser)

Genes: NSD1 (nuclear receptor binding SET domain protein 1; plus strand), LOC126807619 (MED14-independent group 3 enhancer GRCh37_chr5:176696443-176697642; plus strand). Cytogenetic location: 5q35.3.
Variant type: single nucleotide variant.
Coding change: c.5351T>G on transcript NM_022455.5 (MANE Select); coding-DNA position 5351, T replaced by G.
Protein change: p.Ile1784Ser; replaces isoleucine 1784 with serine.
Molecular consequence: missense variant.
Genome position (GRCh38, 1-based): chr5:177,269,649, T>G. VCF-style: chr5-177269649-T-G. GRCh37 (hg19) VCF-style: chr5-176696650-T-G.
Other names: c.5351T>G, p.Ile1784Ser (NM_001409302.1, NM_001409303.1, NM_001409301.1); c.4931T>G, p.Ile1644Ser (NM_001409304.1); c.4598T>G, p.Ile1533Ser (NM_001409305.1); c.4589T>G, p.Ile1530Ser (NM_001409306.1, NM_001409307.1); c.4478T>G, p.Ile1493Ser (NM_001409308.1, NM_001409309.1, NM_172349.5 and 1 more transcripts); short protein forms I1493S, I1530S, I1533S, I1644S, I1784S.
Identifiers: ClinVar variation 4888028 (VCV004888028.1).

ClinVar aggregate classification (germline): Likely pathogenic (1 of 4 stars; one submission).

Submission:

GeneDx
Classification: Likely pathogenic. Last evaluated: 2026-03-01. Review status: criteria provided, single submitter. Criteria: GeneDx Variant Classification Process June 2021. Collection method: clinical testing. Allele origin: germline.
Comment: Not observed at significant frequency in large population cohorts (gnomAD); In silico analysis supports that this missense variant has a deleterious effect on protein structure/function; Has not been previously published as pathogenic or benign to our knowledge